The following is an entry in ClinVar:

ClinVar aggregate classification (germline): Uncertain significance (1 of 4 stars; one submission).

Conditions:
Glutaric aciduria, type 1. Also called: Glutaric Acidemia Type 1; Glutaricaciduria, type I; GA I; Glutaric acidemia type I; Glutaricacidemia Type 1; Glutaryl-CoA dehydrogenase deficiency. Identifiers: Orphanet 25, MedGen C0268595, MONDO:0009281, OMIM 231670.

Allele frequency attached by ClinVar (database versions not stated): gnomAD exomes below 0.00001; TOPMed below 0.00001.
gnomAD v4.1: 2 of 1,613,594 alleles (0.00012%); highest among the groups gnomAD compares: Non-Finnish European, 0.000085%; no homozygotes.

Submission:

Labcorp Genetics (formerly Invitae), Labcorp
Classification: Uncertain significance for Glutaric aciduria, type 1. Last evaluated: 2024-02-02. Review status: criteria provided, single submitter. Criteria: Invitae Variant Classification Sherloc (09022015). Collection method: clinical testing. Allele origin: germline.
Comment: This sequence change replaces threonine, which is neutral and polar, with serine, which is neutral and polar, at codon 341 of the GCDH protein (p.Thr341Ser). This variant is present in population databases (no rsID available, gnomAD 0.0009%). This variant has not been reported in the literature in individuals affected with GCDH-related conditions. ClinVar contains an entry for this variant (Variation ID: 2124645). Advanced modeling of protein sequence and biophysical properties (such as structural, functional, and spatial information, amino acid conservation, physicochemical variation, residue mobility, and thermodynamic stability) performed at Invitae indicates that this missense variant is not expected to disrupt GCDH protein function with a negative predictive value of 80%. This variant disrupts the p.Thr341 amino acid residue in GCDH. Other variant(s) that disrupt this residue have been observed in individuals with GCDH-related conditions (PMID: 17188916, 22728054), which suggests that this may be a clinically significant amino acid residue. In summary, the available evidence is currently insufficient to determine the role of this variant in disease. Therefore, it has been classified as a Variant of Uncertain Significance.

Literature cited by the submitters: PubMed 17188916; PubMed 22728054.

NM_000159.4(GCDH):c.1021A>T (p.Thr341Ser)

Gene: GCDH (glutaryl-CoA dehydrogenase; plus strand). Cytogenetic location: 19p13.13.
Variant type: single nucleotide variant.
Coding change: c.1021A>T on transcript NM_000159.4 (MANE Select); coding-DNA position 1021, A replaced by T.
Protein change: p.Thr341Ser; replaces threonine 341 with serine.
Molecular consequence: missense variant. On other transcripts: non-coding transcript variant (2).
Genome position (GRCh38, 1-based): chr19:12,897,367, A>T. VCF-style: chr19-12897367-A-T. GRCh37 (hg19) VCF-style: chr19-13008181-A-T.
Other names: c.1021A>T, p.Thr341Ser (NM_013976.5); short protein forms T341S.
Identifiers: ClinVar variation 2124645 (VCV002124645.4), dbSNP rs1446542344, ClinGen allele CA404320067.